The following is an entry in ClinVar:

NM_015570.4(AUTS2):c.770C>G (p.Pro257Arg)

Gene: AUTS2 (activator of transcription and developmental regulator AUTS2; plus strand). Cytogenetic location: 7q11.22.
Variant type: single nucleotide variant.
Coding change: c.770C>G on transcript NM_015570.4 (MANE Select); coding-DNA position 770, C replaced by G.
Protein change: p.Pro257Arg; replaces proline 257 with arginine.
Molecular consequence: missense variant.
Genome position (GRCh38, 1-based): chr7:70,762,897, C>G. VCF-style: chr7-70762897-C-G. GRCh37 (hg19) VCF-style: chr7-70227883-C-G.
Other names: c.770C>G, p.Pro257Arg (NM_001127231.3); short protein forms P257R.
Identifiers: ClinVar variation 594442 (VCV000594442.35), dbSNP rs200108105, ClinGen allele CA4280489.

ClinVar aggregate classification (germline): Conflicting classifications of pathogenicity. Review status: criteria provided, conflicting classifications (1 of 4 stars). 3 submissions from 3 submitters: Uncertain significance (2); Likely benign (1). Last evaluated 2025-12-17.

Allele frequency attached by ClinVar (database versions not stated): gnomAD 0.00001 and 0.00002; TOPMed 0.00001; 1000 Genomes Project 30x 0.00016; 1000 Genomes Project 0.00020.
gnomAD v4.1: 4 of 1,613,954 alleles (0.00025%); highest among the groups gnomAD compares: Non-Finnish European, 0.00034%; no homozygotes.

Submissions (3):

Labcorp Genetics (formerly Invitae), Labcorp
Classification: Uncertain significance. Last evaluated: 2025-12-17. Review status: criteria provided, single submitter. Criteria: Invitae Variant Classification Sherloc (09022015). Collection method: clinical testing. Allele origin: germline.
Comment: This sequence change replaces proline, which is neutral and non-polar, with arginine, which is basic and polar, at codon 257 of the AUTS2 protein (p.Pro257Arg). This variant is present in population databases (rs200108105, gnomAD 0.002%). This variant has not been reported in the literature in individuals affected with AUTS2-related conditions. ClinVar contains an entry for this variant (Variation ID: 594442). An algorithm developed to predict the effect of missense changes on protein structure and function (PolyPhen-2) suggests that this variant is likely to be disruptive. In summary, the available evidence is currently insufficient to determine the role of this variant in disease. Therefore, it has been classified as a Variant of Uncertain Significance.

CeGaT Center for Human Genetics Tuebingen
Classification: Likely benign. Last evaluated: 2023-01-01. Review status: criteria provided, single submitter. Criteria: CeGaT Center For Human Genetics Tuebingen Variant Classification Criteria Version 2. Collection method: clinical testing. Allele origin: germline. Affected: yes. Observed: 2 variant alleles.
Comment: AUTS2: BP4

Eurofins Ntd Llc (ga)
Classification: Uncertain significance. Last evaluated: 2017-10-09. Review status: criteria provided, single submitter. Criteria: EGL Classification Definitions 2015. Collection method: clinical testing. Allele origin: germline. Observed: 1 variant allele, 1 heterozygote.